The following is an entry in ClinVar:

ClinVar aggregate classification (germline): Uncertain significance. Review status: criteria provided, multiple submitters, no conflicts (2 of 4 stars). 2 submissions from 2 submitters: Uncertain significance (2). Last evaluated 2022-07-12.

Conditions:
Inborn genetic diseases. Identifiers: MedGen C0950123, MeSH D030342.

Submissions (2):

Ambry Genetics
Classification: Uncertain significance for Inborn genetic diseases. Last evaluated: 2022-07-12. Review status: criteria provided, single submitter. Criteria: Ambry Variant Classification Scheme 2023. Collection method: clinical testing. Allele origin: germline.

ARUP Laboratories, Molecular Genetics and Genomics, ARUP Laboratories
Classification: Uncertain significance. Last evaluated: 2017-09-05. Review status: criteria provided, single submitter. Criteria: ARUP Molecular Germline Variant Investigation Process. Collection method: clinical testing. Allele origin: germline.
Comment: The p.His87Tyr variant has not been reported in the medical literature, gene specific variation databases, nor has it been previously identified by our laboratory. It is absent from general population databases such as 1000 Genomes, NHLBI GO Exome Sequencing Project (ESP), and the genome Aggregation Database (gnomAD) browser. The histidine at position 87 is highly conserved and computational analyses of the effects of the p.His87Tyr variant on protein structure and function predict a deleterious effect (SIFT: damaging, MutationTaster: disease causing, PolyPhen-2: probably damaging). Altogether, there is not enough evidence to classify the p.His87Tyr variant with certainty.

NM_001614.5(ACTG1):c.259C>T (p.His87Tyr)

Gene: ACTG1 (actin gamma 1; minus strand). Cytogenetic location: 17q25.3.
Variant type: single nucleotide variant.
Coding change: c.259C>T on transcript NM_001614.5 (MANE Select); coding-DNA position 259, C replaced by T.
Protein change: p.His87Tyr; replaces histidine 87 with tyrosine.
Molecular consequence: missense variant. On other transcripts: non-coding transcript variant (1).
Genome position (GRCh38, 1-based): chr17:81,512,007, G>A on the plus strand (C>T on the coding strand, the complement: ACTG1 is on the minus strand). VCF-style: chr17-81512007-G-A. GRCh37 (hg19) VCF-style: chr17-79479033-G-A.
Other names: c.259C>T, p.His87Tyr (NM_001199954.3); short protein forms H87Y.
Identifiers: ClinVar variation 618510 (VCV000618510.10), dbSNP rs1568062594, ClinGen allele CA401463051.
Genomic context (GRCh38, chr17:81,512,007, plus strand): 5'-CGGTCAGCAGCACTGGGTGCTCCTCCGGGGCCACGCGCAGCTCGTTGTAGAAGGTGTGGT[G>A]CCAGATCTTCTCCATGTCGTCCCAGTTGGTGACGATGCCATGCTCAATGGGGTACTTCAG-3'
Protein context (NP_001605.1, residues 77-97): TNWDDMEKIW[His87Tyr]HTFYNELRVA